The following is an entry in ClinVar:

NM_000038.6(APC):c.164_165dup (p.Glu56fs)

Gene: APC (APC regulator of Wnt signaling pathway; plus strand). Cytogenetic location: 5q22.2.
Variant type: Duplication.
Coding change: c.164_165dup on transcript NM_000038.6 (MANE Select); coding-DNA positions 164 to 165, 2 bases duplicated (TT; older notation c.164_165dupTT).
Protein change: p.Glu56fs; shifts the reading frame from glutamic acid 56.
Molecular consequence: frameshift variant. On other transcripts: 5 prime UTR variant (8), non-coding transcript variant (2).
Genome position (GRCh38, 1-based): chr5:112,766,354-112,766,355, TT duplicated. VCF-style (leftmost placement, unchanged base first): chr5-112766353-A-ATT. GRCh37 (hg19) VCF-style: chr5-112102050-A-ATT.
Other names: c.164_165dup, p.Glu56fs (NM_001127510.3, NM_001354895.2, NM_001354896.2 and 16 more transcripts); c.194_195dup, p.Glu66fs (NM_001127511.3, NM_001354897.2, NM_001354902.2 and 1 more transcripts); c.89_90dup, p.Glu31fs (NM_001354898.2, NM_001354904.2, NM_001407451.1); c.-14_-13dup (NM_001354900.2, NM_001354901.2, NM_001354905.2 and 1 more transcripts); c.-872_-871dup (NM_001354906.2, NM_001407470.1, NM_001407471.1 and 1 more transcripts); short protein forms E56fs, E31fs, E66fs.
Identifiers: ClinVar variation 3412030 (VCV003412030.4).

ClinVar aggregate classification (germline): Pathogenic. Review status: criteria provided, multiple submitters, no conflicts (2 of 4 stars). 3 submissions from 3 submitters: Pathogenic (3). Last evaluated 2025-09-16.

Conditions:
Familial adenomatous polyposis 1 (FAP1). Also called: FAMILIAL ADENOMATOUS POLYPOSIS 1, ATTENUATED; POLYPOSIS, ADENOMATOUS INTESTINAL. Identifiers: MedGen C2713442, MONDO:0021056, OMIM 175100. Disease mechanism: loss of function.
Hereditary cancer-predisposing syndrome. Also called: Neoplastic Syndromes, Hereditary; Tumor predisposition; Hereditary Cancer Syndrome; Hereditary neoplastic syndrome. Identifiers: Orphanet 140162, MedGen C0027672, MeSH D009386, MONDO:0015356.

Submissions (3):

Color Diagnostics, LLC DBA Color Health
Classification: Pathogenic for Hereditary cancer-predisposing syndrome. Last evaluated: 2025-09-16. Review status: criteria provided, single submitter. Criteria: ACMG Guidelines, 2015. Collection method: clinical testing. Allele origin: germline.
Comment: This variant inserts 2 nucleotides in exon 3 of the APC gene, creating a frameshift and premature translation stop signal. This variant is expected to result in an absent or non-functional protein product. To our knowledge, this variant has not been reported in individuals affected with APC-related disorders in the literature. This variant has not been identified in the general population by the Genome Aggregation Database (gnomAD). Loss of APC function is a known mechanism of disease. Based on the available evidence, this variant is classified as Pathogenic.

Ambry Genetics
Classification: Pathogenic for Hereditary cancer-predisposing syndrome. Last evaluated: 2024-11-15. Review status: criteria provided, single submitter. Criteria: Ambry Variant Classification Scheme 2023. Collection method: clinical testing. Allele origin: germline.
Comment: The c.164_165dupTT pathogenic mutation, located in coding exon 2 of the APC gene, results from a duplication of TT at nucleotide position 164, causing a translational frameshift with a predicted alternate stop codon (p.E56Lfs*15). Premature termination codons are typically deleterious in nature. This variant is considered to be rare based on population cohorts in the Genome Aggregation Database (gnomAD). As such, this alteration is classified as a disease-causing mutation. However, alterations that result in premature termination in coding exon 2 are associated with an attenuated phenotype and may have reduced penetrance compared to classic familial adenomatous polyposis syndrome. Clinical correlation is advised.

Labcorp Genetics (formerly Invitae), Labcorp
Classification: Pathogenic for Familial adenomatous polyposis 1. Last evaluated: 2024-06-08. Review status: criteria provided, single submitter. Criteria: Invitae Variant Classification Sherloc (09022015). Collection method: clinical testing. Allele origin: germline.
Comment: This sequence change creates a premature translational stop signal (p.Glu56Leufs*15) in the APC gene. It is expected to result in an absent or disrupted protein product. Loss-of-function variants in APC are known to be pathogenic (PMID: 17963004, 20685668). This variant is not present in population databases (gnomAD no frequency). This variant has not been reported in the literature in individuals affected with APC-related conditions. For these reasons, this variant has been classified as Pathogenic.

Literature cited by the submitters: PubMed 17963004 (cited by Labcorp Genetics (formerly Invitae), Labcorp); PubMed 20685668 (cited by Labcorp Genetics (formerly Invitae), Labcorp).